The following is an entry in ClinVar:

ClinVar aggregate classification (germline): Uncertain significance. Review status: criteria provided, multiple submitters, no conflicts (2 of 4 stars). 3 submissions from 3 submitters: Uncertain significance (3). Last evaluated 2025-04-15.

Conditions:
TRIM32-related disorder. Also called: TRIM32-related condition.
Bardet-Biedl syndrome (BBS). Identifiers: Orphanet 110, MedGen C0752166, MONDO:0015229.

Allele frequency attached by ClinVar (database versions not stated): TOPMed below 0.00001; ExAC 0.00001; gnomAD exomes 0.00001.

Submissions (3):

PreventionGenetics, part of Exact Sciences
Classification: Uncertain significance for TRIM32-related condition. Last evaluated: 2025-04-15. Review status: criteria provided, single submitter. Criteria: ACMG Guidelines, 2015. Collection method: clinical testing. Allele origin: germline.
Comment: The TRIM32 c.1727G>A variant is predicted to result in the amino acid substitution p.Arg576His. To our knowledge, this variant has not been reported in the literature. This variant is reported in 0.0062% of alleles in individuals of African descent in gnomAD. At this time, the clinical significance of this variant is uncertain due to the absence of conclusive functional and genetic evidence.

Labcorp Genetics (formerly Invitae), Labcorp
Classification: Uncertain significance for Bardet-Biedl syndrome. Last evaluated: 2021-12-04. Review status: criteria provided, single submitter. Criteria: Invitae Variant Classification Sherloc (09022015). Collection method: clinical testing. Allele origin: germline.
Comment: This sequence change replaces arginine, which is basic and polar, with histidine, which is basic and polar, at codon 576 of the TRIM32 protein (p.Arg576His). This variant is present in population databases (rs769518349, gnomAD 0.007%). This variant has not been reported in the literature in individuals affected with TRIM32-related conditions. ClinVar contains an entry for this variant (Variation ID: 290998). Algorithms developed to predict the effect of missense changes on protein structure and function are either unavailable or do not agree on the potential impact of this missense change (SIFT: "Tolerated"; PolyPhen-2: "Possibly Damaging"; Align-GVGD: "Class C0"). In summary, the available evidence is currently insufficient to determine the role of this variant in disease. Therefore, it has been classified as a Variant of Uncertain Significance.

Eurofins Ntd Llc (ga)
Classification: Uncertain significance. Last evaluated: 2017-05-25. Review status: criteria provided, single submitter. Criteria: EGL Classification Definitions 2015. Collection method: clinical testing. Allele origin: germline. Observed: 2 variant alleles, 2 heterozygotes.

NM_012210.4(TRIM32):c.1727G>A (p.Arg576His)

Genes: ASTN2 (astrotactin 2; minus strand), TRIM32 (tripartite motif containing 32; plus strand). Cytogenetic location: 9q33.1.
Variant type: single nucleotide variant.
Coding change: c.1727G>A on transcript NM_012210.4 (MANE Select); coding-DNA position 1727, G replaced by A.
Protein change: p.Arg576His; replaces arginine 576 with histidine.
Molecular consequence: missense variant. On other transcripts: intron variant (3).
Genome position (GRCh38, 1-based): chr9:116,699,469, G>A. VCF-style: chr9-116699469-G-A. GRCh37 (hg19) VCF-style: chr9-119461748-G-A.
Other names: c.1727G>A, p.Arg576His (NM_001099679.2, NM_001379048.1, NM_001379049.1 and 1 more transcripts); c.2653+26302C>T (NM_014010.5); c.2794+26302C>T (NM_001365069.1); c.2806+26302C>T (NM_001365068.1); short protein forms R576H.
Identifiers: ClinVar variation 290998 (VCV000290998.8), dbSNP rs769518349, ClinGen allele CA5211201.